The following is an entry in ClinVar:

NM_019032.6(ADAMTSL4):c.347C>T (p.Thr116Ile)

Genes: ADAMTSL4 (ADAMTS like 4; plus strand), ADAMTSL4-AS2 (ADAMTSL4 antisense RNA 2; minus strand). Cytogenetic location: 1q21.2.
Variant type: single nucleotide variant.
Coding change: c.347C>T on transcript NM_019032.6 (MANE Select); coding-DNA position 347, C replaced by T.
Protein change: p.Thr116Ile; replaces threonine 116 with isoleucine.
Molecular consequence: missense variant.
Genome position (GRCh38, 1-based): chr1:150,553,166, C>T. VCF-style: chr1-150553166-C-T. GRCh37 (hg19) VCF-style: chr1-150525642-C-T.
Other names: c.347C>T, p.Thr116Ile (NM_001288607.2, NM_001288608.2, NM_001378596.1 and 1 more transcripts); short protein forms T116I.
Identifiers: ClinVar variation 3619926 (VCV003619926.2).

ClinVar aggregate classification (germline): Uncertain significance (1 of 4 stars; one submission).

Submission:

Labcorp Genetics (formerly Invitae), Labcorp
Classification: Uncertain significance. Last evaluated: 2024-05-14. Review status: criteria provided, single submitter. Criteria: Invitae Variant Classification Sherloc (09022015). Collection method: clinical testing. Allele origin: germline.
Comment: This sequence change replaces threonine, which is neutral and polar, with isoleucine, which is neutral and non-polar, at codon 116 of the ADAMTSL4 protein (p.Thr116Ile). This variant is present in population databases (rs371116559, gnomAD 0.0009%). This variant has not been reported in the literature in individuals affected with ADAMTSL4-related conditions. Advanced modeling of protein sequence and biophysical properties (such as structural, functional, and spatial information, amino acid conservation, physicochemical variation, residue mobility, and thermodynamic stability) performed at Invitae indicates that this missense variant is not expected to disrupt ADAMTSL4 protein function with a negative predictive value of 80%. In summary, the available evidence is currently insufficient to determine the role of this variant in disease. Therefore, it has been classified as a Variant of Uncertain Significance.